The following is an entry in ClinVar:

NM_130837.3(OPA1):c.2012+1G>C

Gene: OPA1 (OPA1 mitochondrial dynamin like GTPase; plus strand). Cytogenetic location: 3q29.
Variant type: single nucleotide variant.
Coding change: c.2012+1G>C on transcript NM_130837.3 (MANE Select); the canonical splice donor site of the intron after coding-DNA position 2012, G replaced by C.
Molecular consequence: splice donor variant.
Genome position (GRCh38, 1-based): chr3:193,648,872, G>C. VCF-style: chr3-193648872-G-C. GRCh37 (hg19) VCF-style: chr3-193366661-G-C.
Other names: c.1475+1G>C (NM_001354664.2); c.1478+1G>C (NM_001354663.2); c.1901+1G>C (NM_130834.3); c.1958+1G>C (NM_130836.3); c.1847+1G>C (NM_015560.3); c.1904+1G>C (NM_130835.3); c.1793+1G>C (NM_130832.3); c.1850+1G>C (NM_130833.3); and 1 more.
Identifiers: ClinVar variation 214906 (VCV000214906.3), dbSNP rs863224134, ClinGen allele CA321581.

ClinVar aggregate classification (germline): Pathogenic. Review status: criteria provided, single submitter (1 of 4 stars). 2 submissions from 2 submitters: Pathogenic (1). 1 of the submissions does not count toward it. Last evaluated 2012-04-18.

Conditions:
Optic atrophy. Identifiers: MedGen C0029124, MONDO:0003608, HP:0000648.

Submissions (2):

GeneDx
Classification: Pathogenic. Last evaluated: 2012-04-18. Review status: criteria provided, single submitter. Criteria: GeneDx Variant Classification (06012015). Collection method: clinical testing. Allele origin: germline. Affected: yes.
Comment: IVS19+1 G>C, c.1847+1 G>C. The c.1847+1 G>C splice site mutation in the OPA1 gene destroys the canonical splice donor site in intron 19. It is predicted to cause abnormal gene splicing, either leading to an abnormal message that is subject to nonsense-mediated mRNA decay, or to an abnormal protein product if the message is used for protein translation. Although this mutation has not been previously reported to our knowledge, another mutation at the same position (c.1847+1 G>T) has been reported in association with Optic Atrophy 1 (Ferre et al., 2009). The variant is found in OAPEO-MITOP panel(s).

Institute of Human Genetics, Univ. Regensburg, Univ. Regensburg
Classification: Pathogenic for Optic atrophy. Last evaluated: 2018-01-01. Review status: no assertion criteria provided. Criteria: ACMG Guidelines, 2015. Collection method: clinical testing. Allele origin: germline. Affected: yes. Not counted in ClinVar's aggregate classification.